The following is an entry in ClinVar:

ClinVar aggregate classification (germline): Uncertain significance. Review status: criteria provided, multiple submitters, no conflicts (2 of 4 stars). 2 submissions from 2 submitters: Uncertain significance (2). Last evaluated 2025-01-07.

Conditions:
Neurodevelopmental disorder with speech impairment and dysmorphic facies. Identifiers: MedGen C5436699, MONDO:0033630, OMIM 619056.
Inborn genetic diseases. Identifiers: MedGen C0950123, MeSH D030342.

gnomAD v4.1: 5 of 1,346,852 alleles (0.00037%); highest among the groups gnomAD compares: Admixed American, 0.0041%; no homozygotes.

Submissions (2):

Ambry Genetics
Classification: Uncertain significance for Inborn genetic diseases. Last evaluated: 2025-01-07. Review status: criteria provided, single submitter. Criteria: Ambry Variant Classification Scheme 2023. Collection method: clinical testing. Allele origin: germline.

Neuberg Centre For Genomic Medicine, NCGM
Classification: Uncertain significance for Neurodevelopmental disorder with speech impairment and dysmorphic facies. Last evaluated: 2023-07-22. Review status: criteria provided, single submitter. Criteria: ACMG Guidelines, 2015. Collection method: clinical testing. Allele origin: germline. Inheritance: Autosomal dominant inheritance. Affected: yes.
Comment: The observed missense c.4253G>Ap.Arg1418His variant in SETD1A gene has not been reported previously as a pathogenic variant nor as a benign variant, to our knowledge. This variant is present with an allele frequency of 0.0008% in gnomAD Exomes database. This variant has not been submitted to the ClinVar database. Multiple lines of computational evidence Polyphen - Probably Damaging, SIFT - Damaging and MutationTaster - Disease causing predict damaging effect on protein structure and function for this variant. The reference amino acid in SETD1A is predicted as conserved by GERP++ and PhyloP across 100 vertebrates. The amino acid Arg at position 1418 is changed to a His changing protein sequence and it might alter its composition and physico-chemical properties. For these reasons, this variant has been classified as Uncertain Significance VUS.

NM_014712.3(SETD1A):c.4253G>A (p.Arg1418His)

Gene: SETD1A (SET domain containing 1A, histone lysine methyltransferase; plus strand). Cytogenetic location: 16p11.2.
Variant type: single nucleotide variant.
Coding change: c.4253G>A on transcript NM_014712.3 (MANE Select); coding-DNA position 4253, G replaced by A.
Protein change: p.Arg1418His; replaces arginine 1418 with histidine.
Molecular consequence: missense variant.
Genome position (GRCh38, 1-based): chr16:30,980,039, G>A. VCF-style: chr16-30980039-G-A. GRCh37 (hg19) VCF-style: chr16-30991360-G-A.
Other names: c.4253G>A (NM_014712.1); short protein forms R1418H.
Identifiers: ClinVar variation 3391242 (VCV003391242.2).